The following is an entry in ClinVar:

NM_002693.3(POLG):c.2617G>T (p.Glu873Ter)

Gene: POLG (DNA polymerase gamma, catalytic subunit; minus strand). Cytogenetic location: 15q26.1.
Variant type: single nucleotide variant.
Coding change: c.2617G>T on transcript NM_002693.3 (MANE Select); coding-DNA position 2617, G replaced by T.
Protein change: p.Glu873Ter; replaces glutamic acid 873 with a stop codon.
Molecular consequence: nonsense.
Genome position (GRCh38, 1-based): chr15:89,321,242, C>A on the plus strand (G>T on the coding strand, the complement: POLG is on the minus strand). VCF-style: chr15-89321242-C-A. GRCh37 (hg19) VCF-style: chr15-89864473-C-A.
Other names: c.2617G>T, p.Glu873Ter (NM_001126131.2); short protein forms E873*.
Identifiers: ClinVar variation 13504 (VCV000013504.4), dbSNP rs121918047, ClinGen allele CA256889.

ClinVar aggregate classification (germline): Pathogenic. Review status: criteria provided, multiple submitters, no conflicts (2 of 4 stars). 3 submissions from 3 submitters: Pathogenic (2). 1 of the submissions does not count toward it. Last evaluated 2024-11-09.

Conditions:
POLG-related disorder. Also called: POLG-related condition; POLG-Related Disorders; POLG-Related Spectrum Disorders. Identifiers: MedGen C4763519.
Progressive sclerosing poliodystrophy (MTDPS4A). Also called: NEURONAL DEGENERATION OF CHILDHOOD WITH LIVER DISEASE, PROGRESSIVE; Mitochondrial DNA depletion syndrome 4A (Alpers type); Alpers-Huttenlocher Syndrome (AHS); ALPERS PROGRESSIVE INFANTILE POLIODYSTROPHY; Mitochondrial DNA Depletion Syndrome 4A; Alpers Syndrome. Identifiers: Orphanet 726, MedGen C0205710, MONDO:0008758, OMIM 203700.

gnomAD v4.1: 3 of 1,614,188 alleles (0.00019%); highest among the groups gnomAD compares: African/African-American, 0.004%; no homozygotes.

Submissions (3):

Labcorp Genetics (formerly Invitae), Labcorp
Classification: Pathogenic for Progressive sclerosing poliodystrophy. Last evaluated: 2024-11-09. Review status: criteria provided, single submitter. Criteria: Invitae Variant Classification Sherloc (09022015). Collection method: clinical testing. Allele origin: germline.
Comment: This sequence change creates a premature translational stop signal (p.Glu873*) in the POLG gene. It is expected to result in an absent or disrupted protein product. Loss-of-function variants in POLG are known to be pathogenic (PMID: 18546365). This variant is not present in population databases (gnomAD no frequency). This premature translational stop signal has been observed in individual(s) with autosomal recessive POLG-related conditions (PMID: 15122711). This variant is also known as c.G2899T. ClinVar contains an entry for this variant (Variation ID: 13504). For these reasons, this variant has been classified as Pathogenic.

Myriad Genetics, Inc.
Classification: Pathogenic for POLG-related disorder. Last evaluated: 2024-07-22. Review status: criteria provided, single submitter. Criteria: Myriad Autosomal Dominant, Autosomal Recessive and X-Linked Classification Criteria (2023). Collection method: clinical testing. Allele origin: unknown.
Comment: NM_002693.2(POLG):c.2617G>T(E873*) is expected to be pathogenic in the context of POLG-related disorders. This variant is predicted to lead to an abnormal or absent protein product due to the creation of a premature termination codon in POLG, a gene where loss-of-function variants are known to be pathogenic. Please note: this variant was assessed in the context of healthy population screening.

OMIM
Classification: Pathogenic for MITOCHONDRIAL DNA DEPLETION SYNDROME 4A (ALPERS TYPE). Last evaluated: 2004-05-01. Review status: no assertion criteria provided. Collection method: literature only. Allele origin: germline. Not counted in ClinVar's aggregate classification.

Literature cited by the submitters: PubMed 18546365 (cited by Labcorp Genetics (formerly Invitae), Labcorp); PubMed 15122711 (cited by Labcorp Genetics (formerly Invitae), Labcorp and OMIM).